The following is an entry in ClinVar:

NM_016532.4(INPP5K):c.643G>C (p.Gly215Arg)

Gene: INPP5K (inositol polyphosphate-5-phosphatase K; minus strand). Cytogenetic location: 17p13.3.
Variant type: single nucleotide variant.
Coding change: c.643G>C on transcript NM_016532.4 (MANE Select); coding-DNA position 643, G replaced by C.
Protein change: p.Gly215Arg; replaces glycine 215 with arginine.
Molecular consequence: missense variant.
Genome position (GRCh38, 1-based): chr17:1,508,138, C>G on the plus strand (G>C on the coding strand, the complement: INPP5K is on the minus strand). VCF-style: chr17-1508138-C-G. GRCh37 (hg19) VCF-style: chr17-1411432-C-G.
Other names: c.415G>C, p.Gly139Arg (NM_001135642.2, NM_130766.3); short protein forms G215R, G139R.
Identifiers: ClinVar variation 780388 (VCV000780388.7), dbSNP rs61733755, ClinGen allele CA8268535.

ClinVar aggregate classification (germline): Benign. Review status: criteria provided, multiple submitters, no conflicts (2 of 4 stars). 3 submissions from 3 submitters: Benign (2). 1 of the submissions does not count toward it. Last evaluated 2019-12-31.

Conditions:
INPP5K-related disorder. Also called: INPP5K-related condition.

Allele frequency attached by ClinVar (database versions not stated): ESP Exome Variant Server 0.00354; gnomAD 0.00363; TOPMed 0.00444; 1000 Genomes Project 30x 0.00578; 1000 Genomes Project 0.00579.
gnomAD v4.1: 1,514 of 1,613,910 alleles (0.094%); highest among the groups gnomAD compares: African/African-American, 1.6%; 14 homozygotes.

Submissions (3):

Labcorp Genetics (formerly Invitae), Labcorp
Classification: Benign. Last evaluated: 2019-12-31. Review status: criteria provided, single submitter. Criteria: Invitae Variant Classification Sherloc (09022015). Collection method: clinical testing. Allele origin: germline.

Breakthrough Genomics
Classification: Benign. Review status: criteria provided, single submitter. Criteria: ACMG Guidelines, 2015. Collection method: not provided. Allele origin: germline. Inheritance: Autosomal recessive inheritance. Affected: yes.

PreventionGenetics, part of Exact Sciences
Classification: Benign for INPP5K-related condition. Last evaluated: 2019-05-02. Review status: no assertion criteria provided. Collection method: clinical testing. Allele origin: germline. Not counted in ClinVar's aggregate classification.
Comment: This variant is classified as benign based on ACMG/AMP sequence variant interpretation guidelines (Richards et al. 2015 PMID: 25741868, with internal and published modifications).